The following continues an entry in ClinVar:

NM_000059.4(BRCA2):c.7469T>C (p.Ile2490Thr)

Gene: BRCA2. ClinVar aggregate classification (germline): Benign. Benign (1).

Submissions 20 to 42 of 42:

Genome Diagnostics Laboratory, University Medical Center Utrecht
Classification: Likely benign for Breast-ovarian cancer, familial, susceptibility to, 2. Last evaluated: 2015-03-29. Review status: criteria provided, single submitter. Criteria: ACGS Guidelines, 2013. Collection method: clinical testing. Allele origin: germline. Affected: yes. Study: VKGL Data-share Consensus. Not counted in ClinVar's aggregate classification.

Genomic Diagnostic Laboratory, Division of Genomic Diagnostics, Children's Hospital of Philadelphia
Classification: Benign for Hereditary Breast and Ovarian Cancer. Last evaluated: 2015-02-05. Review status: criteria provided, single submitter. Criteria: DGD Variant Analysis Guidelines. Collection method: clinical testing. Allele origin: unknown. Not counted in ClinVar's aggregate classification.

Eurofins Ntd Llc (ga)
Classification: Benign. Last evaluated: 2015-01-21. Review status: criteria provided, single submitter. Criteria: EGL Classification Definitions 2015. Collection method: clinical testing. Allele origin: germline. Observed: 24 variant alleles, 22 heterozygotes, 2 homozygotes. Not counted in ClinVar's aggregate classification.

Ambry Genetics
Classification: Benign for Hereditary cancer-predisposing syndrome. Last evaluated: 2014-11-19. Review status: criteria provided, single submitter. Criteria: Ambry Variant Classification Scheme 2023. Collection method: clinical testing. Allele origin: germline. Not counted in ClinVar's aggregate classification.

Color Diagnostics, LLC DBA Color Health
Classification: Benign for Hereditary cancer-predisposing syndrome. Last evaluated: 2014-11-18. Review status: criteria provided, single submitter. Criteria: ACMG Guidelines, 2015. Collection method: clinical testing. Allele origin: germline. Not counted in ClinVar's aggregate classification.

Molecular Genetics Laboratory, University of Michigan
Classification: Benign for Breast-ovarian cancer, familial, susceptibility to, 2. Last evaluated: 2014-11-03. Review status: criteria provided, single submitter. Criteria: ACMG Guidelines, 2015. Collection method: clinical testing. Allele origin: germline. Affected: yes. Not counted in ClinVar's aggregate classification.

Women's Health and Genetics/Laboratory Corporation of America, LabCorp
Classification: Benign for Hereditary breast ovarian cancer syndrome. Last evaluated: 2014-01-10. Review status: criteria provided, single submitter. Criteria: LabCorp Variant Classification Summary - May 2015. Collection method: clinical testing. Allele origin: germline. Not counted in ClinVar's aggregate classification.

Breakthrough Genomics
Classification: Benign. Review status: criteria provided, single submitter. Criteria: ACMG Guidelines, 2015. Collection method: not provided. Allele origin: germline. Inheritance: Autosomal recessive inheritance. Affected: yes. Not counted in ClinVar's aggregate classification.

Clinical and Functional Genomics Group, A.C.Camargo Cancer Center
Classification: Uncertain significance for Breast Cancer. Review status: criteria provided, single submitter. Criteria: Silva et al. (BMC Med Genet. 2014). Collection method: research. Allele origin: germline. Affected: yes. Not counted in ClinVar's aggregate classification.

PreventionGenetics, part of Exact Sciences
Classification: Benign. Review status: criteria provided, single submitter. Criteria: ACMG Guidelines, 2015. Collection method: clinical testing. Allele origin: germline. Not counted in ClinVar's aggregate classification.

BRCAlab, Lund University
Classification: Benign for Breast-ovarian cancer, familial, susceptibility to, 2. Last evaluated: 2020-03-02. Review status: no assertion criteria provided. Collection method: clinical testing. Allele origin: germline. Affected: yes. Not counted in ClinVar's aggregate classification.

True Health Diagnostics
Classification: Benign for Hereditary cancer-predisposing syndrome. Last evaluated: 2018-01-24. Review status: no assertion criteria provided. Collection method: clinical testing. Allele origin: germline. Not counted in ClinVar's aggregate classification.

Mayo Clinic Laboratories, Mayo Clinic
Classification: Benign. Last evaluated: 2016-12-12. Review status: no assertion criteria provided. Collection method: clinical testing. Allele origin: unknown. Not counted in ClinVar's aggregate classification.

Pathway Genomics
Classification: Benign for hereditary breast and ovarian cancer, BROVCA2. Last evaluated: 2014-07-24. Review status: no assertion criteria provided. Collection method: literature only. Allele origin: germline. Not counted in ClinVar's aggregate classification.

Counsyl
Classification: Benign for Breast-ovarian cancer, familial 2. Last evaluated: 2014-01-02. Review status: no assertion criteria provided. Collection method: literature only. Allele origin: unknown. Inheritance: Autosomal dominant inheritance. Not counted in ClinVar's aggregate classification.

ITMI
No classification provided. Condition: AllHighlyPenetrant. Last evaluated: 2013-09-19. Review status: no classification provided. Collection method: reference population. Allele origin: germline. Not counted in ClinVar's aggregate classification.
Comment: Please see associated publication for description of ethnicities

Sharing Clinical Reports Project (SCRP)
Classification: Benign for Breast-ovarian cancer, familial 2. Last evaluated: 2012-10-04. Review status: no assertion criteria provided. Collection method: clinical testing. Allele origin: germline. Not counted in ClinVar's aggregate classification.

Breast Cancer Information Core (BIC) (BRCA2)
Classification: Uncertain significance for Breast-ovarian cancer, familial 2. Last evaluated: 2002-05-29. Review status: no assertion criteria provided. Collection method: clinical testing. Allele origin: germline. Affected: yes. Observed: 239 variant alleles. Not counted in ClinVar's aggregate classification.

Center for Precision Medicine, Meizhou People's Hospital
Classification: Likely benign for Familial cancer of breast. Review status: no assertion criteria provided. Collection method: literature only. Allele origin: germline. Affected: yes. Not counted in ClinVar's aggregate classification.

Clinical Genetics Laboratory, Department of Pathology, Netherlands Cancer Institute
Classification: Benign. Review status: no assertion criteria provided. Collection method: clinical testing. Allele origin: germline. Affected: yes. Study: VKGL Data-share Consensus. Not counted in ClinVar's aggregate classification.

Department of Pathology and Laboratory Medicine, Sinai Health System
Classification: Benign. Review status: no assertion criteria provided. Collection method: clinical testing. Allele origin: unknown. Affected: yes. Observed: 3 variant alleles. Study: The Canadian Open Genetics Repository (COGR). Not counted in ClinVar's aggregate classification.
Comment: Han_2006 Rodriguez_2008 Capanu_2011 Akbari_2008 Biswas_2011 Reid_2005 Weitzel_2005; Offit_2003 Caux-Moncoutier_2009 Baumbach Kim_2006

Joint Genome Diagnostic Labs from Nijmegen and Maastricht, Radboudumc and MUMC+
Classification: Benign. Review status: no assertion criteria provided. Collection method: clinical testing. Allele origin: germline. Affected: yes. Study: VKGL Data-share Consensus. Not counted in ClinVar's aggregate classification.

Laboratory of Diagnostic Genome Analysis, Leiden University Medical Center (LUMC)
Classification: Likely benign. Review status: no assertion criteria provided. Collection method: clinical testing. Allele origin: germline. Affected: yes. Study: VKGL Data-share Consensus. Not counted in ClinVar's aggregate classification.

Literature cited by the submitters: DOI 10.3389/fgene.2022.834265 (cited by National Health Laboratory Service, Universitas Academic Hospital and University of the Free State); PubMed 36329109 (cited by Genetics Program, Instituto Nacional de Cancer); PubMed 17899372 (cited by Illumina Laboratory Services, Illumina); PubMed 21520273 (cited by Illumina Laboratory Services, Illumina and Women's Health and Genetics/Laboratory Corporation of America, LabCorp); PubMed 17100994 (cited by Illumina Laboratory Services, Illumina and Counsyl); PubMed 21719596 (cited by 3 submitters); PubMed 14559878 (cited by 3 submitters); PubMed 20104584 (cited by Women's Health and Genetics/Laboratory Corporation of America, LabCorp); PubMed 16030099 (cited by Women's Health and Genetics/Laboratory Corporation of America, LabCorp and Pathway Genomics); PubMed 21702907 (cited by Women's Health and Genetics/Laboratory Corporation of America, LabCorp); PubMed 19043619 (cited by Women's Health and Genetics/Laboratory Corporation of America, LabCorp); PubMed 24123850 (cited by Women's Health and Genetics/Laboratory Corporation of America, LabCorp and Center for Precision Medicine, Meizhou People's Hospital); PubMed 23469205 (cited by 3 submitters); PubMed 24323938 (cited by Women's Health and Genetics/Laboratory Corporation of America, LabCorp and Center for Precision Medicine, Meizhou People's Hospital); PubMed 15317758 (cited by Women's Health and Genetics/Laboratory Corporation of America, LabCorp and Pathway Genomics); PubMed 17724471 (cited by Women's Health and Genetics/Laboratory Corporation of America, LabCorp); PubMed 9971877 (cited by Counsyl); PubMed 18286383 (cited by Counsyl); PubMed 24728327 (cited by ITMI); PubMed 24884479 (cited by Center for Precision Medicine, Meizhou People's Hospital).